The following is an entry in ClinVar:

NM_005477.3(HCN4):c.3048del (p.Pro1016_Val1017insTer)

Gene: HCN4 (hyperpolarization activated cyclic nucleotide gated potassium channel 4; minus strand). Cytogenetic location: 15q24.1.
Variant type: Deletion.
Coding change: c.3048del on transcript NM_005477.3 (MANE Select); coding-DNA position 3048, one base deleted (T; older notation c.3048delT).
Protein change: p.Pro1016_Val1017insTer.
Molecular consequence: frameshift variant.
Genome position (GRCh38, 1-based): chr15:73,323,045, A deleted on the plus strand (T on the coding strand, the reverse complement: HCN4 is on the minus strand). VCF-style (leftmost placement, unchanged base first): chr15-73323044-CA-C. GRCh37 (hg19) VCF-style: chr15-73615385-CA-C.
Identifiers: ClinVar variation 3895159 (VCV003895159.1).

ClinVar aggregate classification (germline): Uncertain significance (1 of 4 stars; one submission).

Conditions:
Cardiovascular phenotype. Identifiers: MedGen CN230736.

Submission:

Molecular Diagnostic Laboratory for Inherited Cardiovascular Disease, Montreal Heart Institute
Classification: Uncertain significance for Cardiovascular phenotype. Last evaluated: 2025-04-09. Review status: criteria provided, single submitter. Criteria: ACMG Guidelines, 2015. Collection method: clinical testing. Allele origin: germline. Affected: yes.
Comment: PVS1_mod, PM2